The following is an entry in ClinVar:

NM_001182.5(ALDH7A1):c.1003C>T (p.Arg335Ter)

Gene: ALDH7A1 (aldehyde dehydrogenase 7 family member A1; minus strand). Cytogenetic location: 5q23.2.
Variant type: single nucleotide variant.
Coding change: c.1003C>T on transcript NM_001182.5 (MANE Select); coding-DNA position 1003, C replaced by T.
Protein change: p.Arg335Ter; replaces arginine 335 with a stop codon.
Molecular consequence: nonsense.
Genome position (GRCh38, 1-based): chr5:126,559,245, G>A on the plus strand (C>T on the coding strand, the complement: ALDH7A1 is on the minus strand). VCF-style: chr5-126559245-G-A. GRCh37 (hg19) VCF-style: chr5-125894937-G-A.
Other names: c.919C>T, p.Arg307Ter (NM_001201377.2); c.1003C>T, p.Arg335Ter (NM_001202404.2); short protein forms R335*, R307*.
Identifiers: ClinVar variation 652356 (VCV000652356.18), dbSNP rs1015686016, ClinGen allele CA126889823.

ClinVar aggregate classification (germline): Pathogenic. Review status: criteria provided, multiple submitters, no conflicts (2 of 4 stars). 6 submissions from 6 submitters: Pathogenic (6). Last evaluated 2025-11-16.

Conditions:
Pyridoxine-dependent epilepsy (EPEO4). Also called: PYRIDOXINE DEPENDENCY WITH SEIZURES; Pyridoxine-Dependent Seizures; Pyridoxine-Dependent Epilepsy - ALDH7A1; EPILEPSY, EARLY-ONSET, 4, VITAMIN B6-DEPENDENT. Identifiers: Orphanet 3006, MedGen C1849508, MONDO:0009945, OMIM 266100. Disease mechanism: loss of function.

Allele frequency attached by ClinVar (database versions not stated): gnomAD exomes 0.00001 and 0.00002; TOPMed 0.00001; gnomAD 0.00001.

Submissions (6):

Labcorp Genetics (formerly Invitae), Labcorp
Classification: Pathogenic for Pyridoxine-dependent epilepsy. Last evaluated: 2025-11-16. Review status: criteria provided, single submitter. Criteria: Invitae Variant Classification Sherloc (09022015). Collection method: clinical testing. Allele origin: germline.
Comment: This sequence change creates a premature translational stop signal (p.Arg335*) in the ALDH7A1 gene. It is expected to result in an absent or disrupted protein product. Loss-of-function variants in ALDH7A1 are known to be pathogenic (PMID: 16491085, 20554659). This variant is present in population databases (no rsID available, gnomAD 0.01%). This premature translational stop signal has been observed in individual(s) with pyridoxine-dependent epilepsy (PMID: 17068770, 23350806, 24664088). In at least one individual the data is consistent with being in trans (on the opposite chromosome) from a pathogenic variant. This variant is also known as c.919C>T (p.Arg307X). ClinVar contains an entry for this variant (Variation ID: 652356). For these reasons, this variant has been classified as Pathogenic.

First Genomix Gene Laboratory, Genetic Diagnostics Department
Classification: Pathogenic for Pyridoxine-dependent epilepsy. Last evaluated: 2025-08-05. Review status: criteria provided, single submitter. Criteria: ACMG Guidelines, 2015. Collection method: clinical testing. Allele origin: germline. Inheritance: Autosomal recessive inheritance. Affected: no. Observed: 1 variant allele.

Fulgent Genetics
Classification: Pathogenic for Pyridoxine-dependent epilepsy. Last evaluated: 2024-03-23. Review status: criteria provided, single submitter. Criteria: ACMG Guidelines, 2015. Collection method: clinical testing. Allele origin: germline.

Genome-Nilou Lab
Classification: Pathogenic for Pyridoxine-dependent epilepsy. Last evaluated: 2023-04-11. Review status: criteria provided, single submitter. Criteria: ACMG Guidelines, 2015. Collection method: clinical testing. Allele origin: germline. Affected: no.

Kariminejad - Najmabadi Pathology & Genetics Center
Classification: Pathogenic for Pyridoxine-dependent epilepsy. Review status: criteria provided, single submitter. Criteria: ACMG Guidelines, 2015. Collection method: clinical testing. Allele origin: germline. Affected: no.

Kasturba Medical College, Manipal, Kasturba Medical College, Manipal, Manipal Academy of Higher Education, Manipal, India
Classification: Pathogenic for Pyridoxine-dependent epilepsy. Review status: criteria provided, single submitter. Criteria: ACMG Guidelines, 2015. Collection method: clinical testing. Allele origin: maternal. Inheritance: Autosomal recessive inheritance. Affected: yes. Observed: 1 compound heterozygote.

Literature cited by the submitters: PubMed 16491085 (cited by Labcorp Genetics (formerly Invitae), Labcorp); PubMed 20554659 (cited by Labcorp Genetics (formerly Invitae), Labcorp); PubMed 17068770 (cited by Labcorp Genetics (formerly Invitae), Labcorp and Kasturba Medical College, Manipal, Kasturba Medical College, Manipal, Manipal Academy of Higher Education, Manipal, India); PubMed 23350806 (cited by Labcorp Genetics (formerly Invitae), Labcorp); PubMed 24664088 (cited by Labcorp Genetics (formerly Invitae), Labcorp); PubMed 30043187 (cited by Kasturba Medical College, Manipal, Kasturba Medical College, Manipal, Manipal Academy of Higher Education, Manipal, India).